The following is an entry in ClinVar:

NM_000246.4(CIITA):c.2691G>T (p.Glu897Asp)

Gene: CIITA (class II major histocompatibility complex transactivator; plus strand). Cytogenetic location: 16p13.13.
Variant type: single nucleotide variant.
Coding change: c.2691G>T on transcript NM_000246.4 (MANE Select); coding-DNA position 2691, G replaced by T.
Protein change: p.Glu897Asp; replaces glutamic acid 897 with aspartic acid.
Molecular consequence: missense variant.
Genome position (GRCh38, 1-based): chr16:10,909,062, G>T. VCF-style: chr16-10909062-G-T. GRCh37 (hg19) VCF-style: chr16-11002919-G-T.
Other names: c.2694G>T, p.Glu898Asp (NM_001286402.1, NM_001379332.1); c.939G>T, p.Glu313Asp (NM_001286403.2); c.2547G>T, p.Glu849Asp (NM_001379330.1); c.2544G>T, p.Glu848Asp (NM_001379331.1); c.2691G>T, p.Glu897Asp (NM_001379333.1); c.2622G>T, p.Glu874Asp (NM_001379334.1); short protein forms E313D, E897D, E898D, E848D, E849D, E874D.
Identifiers: ClinVar variation 654012 (VCV000654012.10), dbSNP rs764994021, ClinGen allele CA7900472.

ClinVar aggregate classification (germline): Uncertain significance. Review status: criteria provided, single submitter (1 of 4 stars). 2 submissions from 2 submitters: Uncertain significance (1). 1 of the submissions does not count toward it. Last evaluated 2021-08-31.

Conditions:
MHC class II deficiency. Also called: Bare lymphocyte syndrome 2; BLS, TYPE II. Identifiers: Orphanet 572, MedGen C5447452, MONDO:0008855.

Allele frequency attached by ClinVar (database versions not stated): ExAC 0.00001; gnomAD 0.00003.
gnomAD v4.1: 11 of 1,614,036 alleles (0.00068%); highest among the groups gnomAD compares: Admixed American, 0.018%; no homozygotes.

Submissions (2):

Labcorp Genetics (formerly Invitae), Labcorp
Classification: Uncertain significance for MHC class II deficiency. Last evaluated: 2021-08-31. Review status: criteria provided, single submitter. Criteria: Invitae Variant Classification Sherloc (09022015). Collection method: clinical testing. Allele origin: germline.
Comment: This sequence change replaces glutamic acid with aspartic acid at codon 897 of the CIITA protein (p.Glu897Asp). The glutamic acid residue is highly conserved and there is a small physicochemical difference between glutamic acid and aspartic acid. The frequency data for this variant in the population databases is considered unreliable, as metrics indicate poor data quality at this position in the ExAC database. This variant has not been reported in the literature in individuals affected with CIITA-related conditions. Algorithms developed to predict the effect of missense changes on protein structure and function are either unavailable or do not agree on the potential impact of this missense change (SIFT: "Tolerated"; PolyPhen-2: "Probably Damaging"; Align-GVGD: "Class C0"). In summary, the available evidence is currently insufficient to determine the role of this variant in disease. Therefore, it has been classified as a Variant of Uncertain Significance.

Natera, Inc.
Classification: Uncertain significance for Bare lymphocyte syndrome type II. Last evaluated: 2020-10-06. Review status: no assertion criteria provided. Collection method: clinical testing. Allele origin: germline. Not counted in ClinVar's aggregate classification.